The following is an entry in ClinVar:

ClinVar aggregate classification (germline): Pathogenic (1 of 4 stars; one submission).

Conditions:
Neuronal ceroid lipofuscinosis. Also called: Neuronal Ceroid Lipofuscinoses. Identifiers: Orphanet 216, Orphanet 79263, MedGen C0027877, MONDO:0016295. Disease mechanism: loss of function.

Submission:

Labcorp Genetics (formerly Invitae), Labcorp
Classification: Pathogenic for Neuronal ceroid lipofuscinosis. Last evaluated: 2021-10-13. Review status: criteria provided, single submitter. Criteria: Invitae Variant Classification Sherloc (09022015). Collection method: clinical testing. Allele origin: germline.
Comment: This variant has not been reported in the literature in individuals affected with CLN5-related conditions. This variant is not present in population databases (ExAC no frequency). This sequence change creates a premature translational stop signal (p.Tyr106Thrfs*57) in the CLN5 gene. It is expected to result in an absent or disrupted protein product. Loss-of-function variants in CLN5 are known to be pathogenic (PMID: 20157158). For these reasons, this variant has been classified as Pathogenic.

Literature cited by the submitters: PubMed 20157158.

NM_006493.4(CLN5):c.168del (p.Tyr57fs)

Genes: CLN5 (CLN5 lysosomal BMP synthase; plus strand), LOC130009913 (ATAC-STARR-seq lymphoblastoid silent region 5414; plus strand). Cytogenetic location: 13q22.3.
Variant type: Deletion.
Coding change: c.168del on transcript NM_006493.4 (MANE Select); coding-DNA position 168, one base deleted (C; older notation c.168delC).
Protein change: p.Tyr57fs; shifts the reading frame from tyrosine 57.
Molecular consequence: frameshift variant.
Genome position (GRCh38, 1-based): chr13:76,992,266, C deleted; the last of 3 consecutive C bases (chr13:76,992,264-76,992,266); deleting any one gives the same sequence. VCF-style (leftmost placement, unchanged base first): chr13-76992263-GC-G. GRCh37 (hg19) VCF-style: chr13-77566398-GC-G.
Other names: c.168del, p.Tyr57fs (NM_001366624.2); short protein forms Y57fs.
Identifiers: ClinVar variation 1458984 (VCV001458984.6), dbSNP rs2154034292, ClinGen allele CA2573149752.